The following is an entry in ClinVar:

ClinVar aggregate classification (germline): Uncertain significance (1 of 4 stars; one submission).

Conditions:
Oligodontia-cancer predisposition syndrome. Also called: TOOTH AGENESIS-COLORECTAL CANCER SYNDROME. Identifiers: Orphanet 300576, MedGen C1837750, MONDO:0012075, OMIM 608615. Disease mechanism: loss of function.

Submission:

Labcorp Genetics (formerly Invitae), Labcorp
Classification: Uncertain significance for Oligodontia-cancer predisposition syndrome. Last evaluated: 2019-04-25. Review status: criteria provided, single submitter. Criteria: Invitae Variant Classification Sherloc (09022015). Collection method: clinical testing. Allele origin: germline.
Comment: In summary, the available evidence is currently insufficient to determine the role of this variant in disease. Therefore, it has been classified as a Variant of Uncertain Significance. This sequence change replaces valine with glycine at codon 181 of the AXIN2 protein (p.Val181Gly). The valine residue is moderately conserved and there is a moderate physicochemical difference between valine and glycine. This variant is not present in population databases (ExAC no frequency). This variant has not been reported in the literature in individuals with AXIN2-related conditions. Algorithms developed to predict the effect of missense changes on protein structure and function (SIFT, PolyPhen-2, Align-GVGD) all suggest that this variant is likely to be tolerated, but these predictions have not been confirmed by published functional studies and their clinical significance is uncertain.

NM_004655.4(AXIN2):c.542T>G (p.Val181Gly)

Gene: AXIN2 (axin 2; minus strand). Cytogenetic location: 17q24.1.
Variant type: single nucleotide variant.
Coding change: c.542T>G on transcript NM_004655.4 (MANE Select); coding-DNA position 542, T replaced by G.
Protein change: p.Val181Gly; replaces valine 181 with glycine.
Molecular consequence: missense variant.
Genome position (GRCh38, 1-based): chr17:65,558,079, A>C on the plus strand (T>G on the coding strand, the complement: AXIN2 is on the minus strand). VCF-style: chr17-65558079-A-C. GRCh37 (hg19) VCF-style: chr17-63554197-A-C.
Other names: c.542T>G, p.Val181Gly (NM_001363813.1); short protein forms V181G.
Identifiers: ClinVar variation 947927 (VCV000947927.9), dbSNP rs2044298899, ClinGen allele CA400680958.
Genomic context (GRCh38, chr17:65,558,079, plus strand): 5'-CTCACATATTCGAGGTATATATCAGAAGTCAAAAACATCTGGTAGGCATTTTCCTCCATC[A>C]CCGACTGGATCTCGGTCTGCGCCTGGTCAAACATGATGGAATCAATCTGCTGCTTCTTGA-3'
Protein context (NP_004646.3, residues 171-191): FDQAQTEIQS[Val181Gly]MEENAYQMFL